The following is an entry in ClinVar:

ClinVar aggregate classification (germline): Benign (1 of 4 stars; one submission).

Allele frequency attached by ClinVar (database versions not stated): 1000 Genomes Project 0.19609; 1000 Genomes Project 30x 0.19831; TOPMed 0.26607; gnomAD 0.27032 and 0.27240.
gnomAD v4.1: 41,202 of 152,222 alleles (27%); highest among the groups gnomAD compares: Middle Eastern, 39%; 6,072 homozygotes.

Submission:

GeneDx
Classification: Benign. Last evaluated: 2018-06-14. Review status: criteria provided, single submitter. Criteria: GeneDx Variant Classification (06012015). Collection method: clinical testing. Allele origin: germline. Affected: yes.
Comment: This variant is considered likely benign or benign based on one or more of the following criteria: it is a conservative change, it occurs at a poorly conserved position in the protein, it is predicted to be benign by multiple in silico algorithms, and/or has population frequency not consistent with disease.

NM_000282.4(PCCA):c.2040+242G>T

Gene: PCCA (propionyl-CoA carboxylase subunit alpha; plus strand). Cytogenetic location: 13q32.3.
Variant type: single nucleotide variant.
Coding change: c.2040+242G>T on transcript NM_000282.4 (MANE Select); 242 bases into the intron after coding-DNA position 2040, G replaced by T.
Molecular consequence: intron variant.
Genome position (GRCh38, 1-based): chr13:100,515,809, G>T. VCF-style: chr13-100515809-G-T. GRCh37 (hg19) VCF-style: chr13-101168063-G-T.
Other names: c.1900-11866G>T (NM_001178004.2); c.1986+242G>T (NM_001352605.2); c.1896+242G>T (NM_001352606.2); c.1095+242G>T (NM_001352610.2); c.1041+242G>T (NM_001352611.2); c.951+242G>T (NM_001352612.2); c.1962+242G>T (NM_001127692.3); c.1822-11866G>T (NM_001352607.2); and 1 more.
Identifiers: ClinVar variation 683352 (VCV000683352.1), dbSNP rs61614293, ClinGen allele CA13866688.